The following is an entry in ClinVar:

ClinVar aggregate classification (germline): Uncertain significance. Review status: criteria provided, multiple submitters, no conflicts (2 of 4 stars). 10 submissions from 10 submitters: Uncertain significance (9). 1 of the submissions does not count toward it. Last evaluated 2025-12-28.

Conditions:
Familial cancer of breast. Also called: hereditary breast carcinoma; Hereditary breast cancer; BREAST CANCER, FAMILIAL. Identifiers: Orphanet 227535, MedGen C0346153, MONDO:0016419, OMIM 114480. Disease mechanism: loss of function.
Ataxia-telangiectasia syndrome (AT). Also called: Cerebello-oculocutaneous telangiectasia; Immunodeficiency with ataxia telangiectasia; Ataxia-telangiectasia, complementation group E; Ataxia telangiectasia (A-T); LOUIS-BAR SYNDROME; Ataxia-telangiectasia, complementation group D. Identifiers: Orphanet 100, MedGen C0004135, MONDO:0008840, OMIM 208900.
Colorectal cancer, susceptibility to, 1. Also called: COLORECTAL ADENOMA AND CANCER, SUSCEPTIBILITY TO; COLORECTAL CANCER, SUSCEPTIBILITY TO, ON CHROMOSOME 9. Identifiers: MedGen C1837315, MONDO:0012132, OMIM 608812.
ATM-related disorder. Also called: ATM-related disorders; ATM-related condition.
Hereditary cancer-predisposing syndrome. Also called: Neoplastic Syndromes, Hereditary; Hereditary neoplastic syndrome; Hereditary Cancer Syndrome; Tumor predisposition. Identifiers: Orphanet 140162, MedGen C0027672, MeSH D009386, MONDO:0015356.

Allele frequency attached by ClinVar (database versions not stated): gnomAD exomes below 0.00001; ExAC 0.00001.
gnomAD v4.1: 6 of 1,614,182 alleles (0.00037%); highest among the groups gnomAD compares: South Asian, 0.0011%; no homozygotes.

Submissions (10):

Labcorp Genetics (formerly Invitae), Labcorp
Classification: Uncertain significance for Ataxia-telangiectasia syndrome. Last evaluated: 2025-12-28. Review status: criteria provided, single submitter. Criteria: Invitae Variant Classification Sherloc (09022015). Collection method: clinical testing. Allele origin: germline.
Comment: This sequence change replaces aspartic acid, which is acidic and polar, with valine, which is neutral and non-polar, at codon 860 of the ATM protein (p.Asp860Val). This variant is present in population databases (rs761251711, gnomAD 0.0009%). This variant has not been reported in the literature in individuals affected with ATM-related conditions. ClinVar contains an entry for this variant (Variation ID: 236692). Invitae Evidence Modeling of protein sequence and biophysical properties (such as structural, functional, and spatial information, amino acid conservation, physicochemical variation, residue mobility, and thermodynamic stability) indicates that this missense variant is not expected to disrupt ATM protein function with a negative predictive value of 95%. In summary, the available evidence is currently insufficient to determine the role of this variant in disease. Therefore, it has been classified as a Variant of Uncertain Significance.

Ambry Genetics
Classification: Uncertain significance for Hereditary cancer-predisposing syndrome. Last evaluated: 2025-07-16. Review status: criteria provided, single submitter. Criteria: Ambry Variant Classification Scheme 2023. Collection method: clinical testing. Allele origin: germline.
Comment: The p.D860V variant (also known as c.2579A>T), located in coding exon 16 of the ATM gene, results from an A to T substitution at nucleotide position 2579. The aspartic acid at codon 860 is replaced by valine, an amino acid with highly dissimilar properties. This amino acid position is well conserved in available vertebrate species. In addition, this alteration is predicted to be tolerated by in silico analysis. Based on the available evidence, the clinical significance of this variant remains unclear.

Athena Diagnostics
Classification: Uncertain significance. Last evaluated: 2025-01-22. Review status: criteria provided, single submitter. Criteria: Athena Diagnostics Criteria. Collection method: clinical testing. Allele origin: unknown.
Comment: Available data are insufficient to determine the clinical significance of the variant at this time. The frequency of this variant in the general population is uninformative in assessment of its pathogenicity. Polyphen and MutationTaster predict this amino acid change may be benign.

Color Diagnostics, LLC DBA Color Health
Classification: Uncertain significance for Hereditary cancer-predisposing syndrome. Last evaluated: 2024-05-21. Review status: criteria provided, single submitter. Criteria: ACMG Guidelines, 2015. Collection method: clinical testing. Allele origin: germline.
Comment: This missense variant replaces aspartic acid with valine at codon 860 of the ATM protein. Computational prediction suggests that this variant may not impact protein structure and function. To our knowledge, functional studies have not been reported for this variant. This variant has not been reported in individuals affected with hereditary cancer in the literature. This variant has been identified in 1/251436 chromosomes in the general population by the Genome Aggregation Database (gnomAD). The available evidence is insufficient to determine the role of this variant in disease conclusively. Therefore, this variant is classified as a Variant of Uncertain Significance.

KCCC/NGS Laboratory, Kuwait Cancer Control Center
Classification: Uncertain significance for Colorectal cancer, susceptibility to, 1. Last evaluated: 2023-07-04. Review status: criteria provided, single submitter. Criteria: ACMG Guidelines, 2015. Collection method: clinical testing. Allele origin: unknown. Inheritance: Autosomal dominant inheritance. Affected: no. Observed: 1 heterozygote.
Comment: This sequence change replaces aspartic acid with valine at codon 860 of the ATM protein (p.Asp860Val). The aspartic acid residue is moderately conserved and there is a large physicochemical difference between aspartic acid and valine. This variant is present in population databases (rs761251711, ExAC 0.001%). This variant has not been reported in the literature in individuals affected with ATMrelated conditions. ClinVar contains an entry for this variant (Variation ID: 236692). Algorithms developed to predict the effect of missense changes on protein structure and function are either unavailable or do not agree on the potential impact of this missense change (SIFT: "Deleterious"; PolyPhen-2: "Benign"; Align- GVGD: "Class C0"). Therefore, it has been classified as a Variant of Uncertain Significance.

PreventionGenetics, part of Exact Sciences
Classification: Uncertain significance for ATM-related condition. Last evaluated: 2023-04-08. Review status: criteria provided, single submitter. Criteria: ACMG Guidelines, 2015. Collection method: clinical testing. Allele origin: germline.
Comment: The ATM c.2579A>T variant is predicted to result in the amino acid substitution p.Asp860Val. To our knowledge, this variant has not been reported in the literature. This variant is reported in 0.00088% of alleles in individuals of European (Non-Finnish) descent in gnomAD. At this time, the clinical significance of this variant is uncertain due to the absence of conclusive functional and genetic evidence.

Fulgent Genetics
Classification: Uncertain significance for Familial cancer of breast; Ataxia-telangiectasia syndrome. Last evaluated: 2022-05-25. Review status: criteria provided, single submitter. Criteria: ACMG Guidelines, 2015. Collection method: clinical testing. Allele origin: unknown.

Blueprint Genetics
Classification: Uncertain significance. Last evaluated: 2020-12-22. Review status: criteria provided, single submitter. Criteria: ACMG Guidelines, 2015. Collection method: clinical testing. Allele origin: germline.

GeneDx
Classification: Uncertain significance. Last evaluated: 2017-09-25. Review status: criteria provided, single submitter. Criteria: GeneDx Variant Classification (06012015). Collection method: clinical testing. Allele origin: germline. Affected: yes.
Comment: This variant is denoted ATM c.2579A>T at the cDNA level, p.Asp860Val (D860V) at the protein level, and results in the change of an Aspartic Acid to a Valine (GAT>GTT). This variant has not, to our knowledge, been published in the literature as pathogenic or benign. ATM Asp860Val was not observed at a significant allele frequency in large population cohorts (Lek 2016). Since Aspartic Acid and Valine differ in polarity, charge, size or other properties, this is considered a non-conservative amino acid substitution. ATM Asp860Val occurs at a position where amino acids with properties similar to Aspartic Acid are tolerated across species and is not located in a known functional domain. In silico analyses predict that this variant is probably damaging to protein structure and function. Based on currently available evidence, it is unclear whether ATM Asp860Val is a pathogenic or benign variant. We consider it to be a variant of uncertain significance.

Natera, Inc.
Classification: Uncertain significance for Ataxia-telangiectasia. Last evaluated: 2021-04-06. Review status: no assertion criteria provided. Collection method: clinical testing. Allele origin: germline. Not counted in ClinVar's aggregate classification.

Literature cited by the submitters: PubMed 39427061 (cited by Athena Diagnostics); PubMed 32658311 (cited by Athena Diagnostics); PubMed 38489015 (cited by Athena Diagnostics).

NM_000051.4(ATM):c.2579A>T (p.Asp860Val)

Gene: ATM (ATM serine/threonine kinase; plus strand). Cytogenetic location: 11q22.3.
Variant type: single nucleotide variant.
Coding change: c.2579A>T on transcript NM_000051.4 (MANE Select); coding-DNA position 2579, A replaced by T.
Protein change: p.Asp860Val; replaces aspartic acid 860 with valine.
Molecular consequence: missense variant.
Genome position (GRCh38, 1-based): chr11:108,267,283, A>T. VCF-style: chr11-108267283-A-T. GRCh37 (hg19) VCF-style: chr11-108138010-A-T.
Other names: c.2579A>T, p.Asp860Val (NM_001351834.2); short protein forms D860V.
Identifiers: ClinVar variation 236692 (VCV000236692.31), dbSNP rs761251711, ClinGen allele CA6265063.